The following is an entry in ClinVar:

NM_002206.3(ITGA7):c.2642T>C (p.Val881Ala)

Gene: ITGA7 (integrin subunit alpha 7; minus strand). Cytogenetic location: 12q13.2.
Variant type: single nucleotide variant.
Coding change: c.2642T>C on transcript NM_002206.3 (MANE Select); coding-DNA position 2642, T replaced by C.
Protein change: p.Val881Ala; replaces valine 881 with alanine.
Molecular consequence: missense variant.
Genome position (GRCh38, 1-based): chr12:55,693,211, A>G on the plus strand (T>C on the coding strand, the complement: ITGA7 is on the minus strand). VCF-style: chr12-55693211-A-G. GRCh37 (hg19) VCF-style: chr12-56086995-A-G.
Other names: c.2654T>C, p.Val885Ala (NM_001144996.2); c.2363T>C, p.Val788Ala (NM_001144997.2); c.2315T>C, p.Val772Ala (NM_001367993.1); c.1298T>C, p.Val433Ala (NM_001367994.1); c.2624T>C, p.Val875Ala (NM_001374465.1); c.2774T>C, p.Val925Ala (NM_001410977.1); c.2636T>C, p.Val879Ala (NM_001414029.1); c.2567T>C, p.Val856Ala (NM_001414030.1); and 5 more; short protein forms V768A, V788A, V852A, V856A, V772A, V841A, V881A, V885A.
Identifiers: ClinVar variation 1977450 (VCV001977450.5), dbSNP rs794727321, ClinGen allele CA385181606.
Genomic context (GRCh38, chr12:55,693,211, plus strand): 5'-ATGTTGGGCCTGGGAGAGCAAAGCCCTTTCTGCCCAGGCCCCTGCCCGCCCTCCAGCTCA[A>G]CCTGCATTGGGTACAGCAACCACTTCCCATTGGCAATCTCATGAGGCCACATGATGTTGA-3'
Protein context (NP_002197.2, residues 871-891): NGKWLLYPMQ[Val881Ala]ELEGGQGPGQ

ClinVar aggregate classification (germline): Uncertain significance (1 of 4 stars; one submission).

Conditions:
Congenital muscular dystrophy due to integrin alpha-7 deficiency. Also called: MYOPATHY, CONGENITAL, DUE TO INTEGRIN ALPHA-7 DEFICIENCY; Congenital muscular dystrophy with integrin alpha-7 deficiency; Muscular dystrophy, congenital, due to ITGA7 deficiency. Identifiers: Orphanet 34520, MedGen C2750786, MONDO:0013177, OMIM 613204.

gnomAD v4.1: 3 of 1,613,934 alleles (0.00019%); highest among the groups gnomAD compares: Admixed American, 0.0033%; no homozygotes.

Submission:

Labcorp Genetics (formerly Invitae), Labcorp
Classification: Uncertain significance for Congenital muscular dystrophy due to integrin alpha-7 deficiency. Last evaluated: 2022-07-26. Review status: criteria provided, single submitter. Criteria: Invitae Variant Classification Sherloc (09022015). Collection method: clinical testing. Allele origin: germline.
Comment: This sequence change replaces valine, which is neutral and non-polar, with alanine, which is neutral and non-polar, at codon 881 of the ITGA7 protein (p.Val881Ala). This variant is present in population databases (no rsID available, gnomAD 0.006%). This variant has not been reported in the literature in individuals affected with ITGA7-related conditions. Algorithms developed to predict the effect of missense changes on protein structure and function are either unavailable or do not agree on the potential impact of this missense change (SIFT: "Tolerated"; PolyPhen-2: "Possibly Damaging"; Align-GVGD: "Class C0"). Algorithms developed to predict the effect of sequence changes on RNA splicing suggest that this variant may disrupt the consensus splice site. In summary, the available evidence is currently insufficient to determine the role of this variant in disease. Therefore, it has been classified as a Variant of Uncertain Significance.